The following is an entry in ClinVar:

NM_001267550.2(TTN):c.107342G>C (p.Gly35781Ala)

Genes: TTN-AS1 (TTN antisense RNA 1; plus strand), TTN (titin; minus strand). Cytogenetic location: 2q31.2.
Variant type: single nucleotide variant.
Coding change: c.107342G>C on transcript NM_001267550.2 (MANE Select); coding-DNA position 107342, G replaced by C.
Protein change: p.Gly35781Ala; replaces glycine 35781 with alanine.
Molecular consequence: missense variant.
Genome position (GRCh38, 1-based): chr2:178,528,309, C>G on the plus strand (G>C on the coding strand, the complement: TTN is on the minus strand). VCF-style: chr2-178528309-C-G. GRCh37 (hg19) VCF-style: chr2-179393036-C-G.
Other names: c.102419G>C, p.Gly34140Ala (NM_001256850.1); c.80147G>C, p.Gly26716Ala (NM_003319.4); c.99638G>C, p.Gly33213Ala (NM_133378.4); c.80522G>C, p.Gly26841Ala (NM_133432.3); c.80723G>C, p.Gly26908Ala (NM_133437.4); short protein forms G33213A, G26908A, G34140A, G26716A, G26841A, G35781A.
Identifiers: ClinVar variation 1959745 (VCV001959745.5), dbSNP rs2468281845, ClinGen allele CA349401281.

ClinVar aggregate classification (germline): Uncertain significance (1 of 4 stars; one submission).

Conditions:
Autosomal recessive limb-girdle muscular dystrophy type 2J (LGMDR10). Also called: Limb-girdle muscular dystrophy, type 2J; MUSCULAR DYSTROPHY, LIMB-GIRDLE, AUTOSOMAL RECESSIVE 10. Identifiers: Orphanet 140922, MedGen C1837342, MONDO:0012127, OMIM 608807.
Dilated cardiomyopathy 1G (CMD1G). Identifiers: Orphanet 154, MedGen C1858763, MONDO:0011400, OMIM 604145.

Submission:

Labcorp Genetics (formerly Invitae), Labcorp
Classification: Uncertain significance for Dilated cardiomyopathy 1G; Autosomal recessive limb-girdle muscular dystrophy type 2J. Last evaluated: 2024-05-23. Review status: criteria provided, single submitter. Criteria: Invitae Variant Classification Sherloc (09022015). Collection method: clinical testing. Allele origin: germline.
Comment: This sequence change replaces glycine, which is neutral and non-polar, with alanine, which is neutral and non-polar, at codon 35781 of the TTN protein (p.Gly35781Ala). This variant is not present in population databases (gnomAD no frequency). This variant has not been reported in the literature in individuals affected with TTN-related conditions. ClinVar contains an entry for this variant (Variation ID: 1959745). Experimental studies and prediction algorithms are not available or were not evaluated, and the functional significance of this variant is currently unknown. This variant is located in the M band of TTN (PMID: 25589632). Non-truncating variants in this region may be relevant for neuromuscular disorders, but have not been definitively shown to cause cardiomyopathy (PMID: 23975875). In summary, the available evidence is currently insufficient to determine the role of this variant in disease. Therefore, it has been classified as a Variant of Uncertain Significance.

Literature cited by the submitters: PubMed 25589632; PubMed 23975875.